The following is an entry in ClinVar:

NM_173728.4(ARHGEF15):c.2241C>A (p.Cys747Ter)

Gene: ARHGEF15 (Rho guanine nucleotide exchange factor 15; plus strand). Cytogenetic location: 17p13.1.
Variant type: single nucleotide variant.
Coding change: c.2241C>A on transcript NM_173728.4 (MANE Select); coding-DNA position 2241, C replaced by A.
Protein change: p.Cys747Ter; replaces cysteine 747 with a stop codon.
Molecular consequence: nonsense.
Genome position (GRCh38, 1-based): chr17:8,319,366, C>A. VCF-style: chr17-8319366-C-A. GRCh37 (hg19) VCF-style: chr17-8222684-C-A.
Other names: c.2241C>A, p.Cys747Ter (NM_025014.2); short protein forms C747*.
Identifiers: ClinVar variation 1044347 (VCV001044347.7), dbSNP rs138590059, ClinGen allele CA398025588.
Genomic context (GRCh38, chr17:8,319,366, plus strand): 5'-CACCAGATCAGACATGCAGCGCTGGCTGGGAGCCTTCCCAACCCCAGGCCCCCTTCCCTG[C>A]TCCCCAGACACCATCTATGAGGACTGTGGTGAGTATCCCCCTAGAGGGGATGAGGGAAGA-3'

ClinVar aggregate classification (germline): Uncertain significance (1 of 4 stars; one submission).

Conditions:
Early-infantile DEE. Also called: Ohtahara syndrome; Early infantile epileptic encephalopathy with suppression bursts; Early infantile epileptic encephalopathy. Identifiers: Orphanet 1934, MedGen C0393706, MONDO:0800491.

Submission:

Labcorp Genetics (formerly Invitae), Labcorp
Classification: Uncertain significance for Early-infantile DEE. Last evaluated: 2022-02-04. Review status: criteria provided, single submitter. Criteria: Invitae Variant Classification Sherloc (09022015). Collection method: clinical testing. Allele origin: germline.
Comment: In summary, the available evidence is currently insufficient to determine the role of this variant in disease. Therefore, it has been classified as a Variant of Uncertain Significance. ClinVar contains an entry for this variant (Variation ID: 1044347). This variant has not been reported in the literature in individuals affected with ARHGEF15-related conditions. This variant is not present in population databases (gnomAD no frequency). This sequence change creates a premature translational stop signal (p.Cys747*) in the ARHGEF15 gene. It is expected to result in an absent or disrupted protein product. However, the current clinical and genetic evidence is not sufficient to establish whether loss-of-function variants in ARHGEF15 cause disease.